The following is an entry in ClinVar:

ClinVar aggregate classification (germline): Uncertain significance (1 of 4 stars; one submission).

Conditions:
Inborn genetic diseases. Identifiers: MedGen C0950123, MeSH D030342.

Submission:

Ambry Genetics
Classification: Uncertain significance for Inborn genetic diseases. Last evaluated: 2024-12-31. Review status: criteria provided, single submitter. Criteria: Ambry Variant Classification Scheme 2023. Collection method: clinical testing. Allele origin: germline.
Comment: The p.K618Q variant (also known as c.1852A>C), located in coding exon 14 of the FANCG gene, results from an A to C substitution at nucleotide position 1852. The lysine at codon 618 is replaced by glutamine, an amino acid with similar properties. This amino acid position is conserved. In addition, this alteration is predicted to be tolerated by in silico analysis. Based on the available evidence, the clinical significance of this variant remains unclear.

NM_004629.2(FANCG):c.1852A>C (p.Lys618Gln)

Gene: FANCG (FA complementation group G; minus strand). Cytogenetic location: 9p13.3.
Variant type: single nucleotide variant.
Coding change: c.1852A>C on transcript NM_004629.2 (MANE Select); coding-DNA position 1852, A replaced by C.
Protein change: p.Lys618Gln; replaces lysine 618 with glutamine.
Molecular consequence: missense variant.
Genome position (GRCh38, 1-based): chr9:35,074,125, T>G on the plus strand (A>C on the coding strand, the complement: FANCG is on the minus strand). VCF-style: chr9-35074125-T-G. GRCh37 (hg19) VCF-style: chr9-35074122-T-G.
Other names: short protein forms K618Q.
Identifiers: ClinVar variation 3848392 (VCV003848392.1).